The following is an entry in ClinVar:

ClinVar aggregate classification (germline): Benign. Review status: criteria provided, multiple submitters, no conflicts (2 of 4 stars). 4 submissions from 4 submitters: Benign (3). 1 of the submissions does not count toward it. Last evaluated 2026-02-04.

Conditions:
POLE2-related disorder. Also called: POLE2-related condition.

Allele frequency attached by ClinVar (database versions not stated): gnomAD 0.25055 and 0.26245; TOPMed 0.26289; ESP Exome Variant Server 0.27803; 1000 Genomes Project 30x 0.21408; 1000 Genomes Project 0.20747.
gnomAD v4.1: 232,159 of 1,387,356 alleles (17%); highest among the groups gnomAD compares: African/African-American, 42%; 23,607 homozygotes.

Submissions (4):

Labcorp Genetics (formerly Invitae), Labcorp
Classification: Benign. Last evaluated: 2026-02-04. Review status: criteria provided, single submitter. Criteria: Invitae Variant Classification Sherloc (09022015). Collection method: clinical testing. Allele origin: germline.

Mayo Clinic Laboratories, Mayo Clinic
Classification: Benign. Last evaluated: 2022-09-06. Review status: criteria provided, single submitter. Criteria: ACMG Guidelines, 2015. Collection method: clinical testing. Allele origin: germline. Observed: 8 variant alleles.

Breakthrough Genomics
Classification: Benign. Review status: criteria provided, single submitter. Criteria: ACMG Guidelines, 2015. Collection method: not provided. Allele origin: germline. Inheritance: Unknown mechanism. Affected: yes.

PreventionGenetics, part of Exact Sciences
Classification: Benign for POLE2-related condition. Last evaluated: 2019-07-01. Review status: no assertion criteria provided. Collection method: clinical testing. Allele origin: germline. Not counted in ClinVar's aggregate classification.
Comment: This variant is classified as benign based on ACMG/AMP sequence variant interpretation guidelines (Richards et al. 2015 PMID: 25741868, with internal and published modifications).

NM_002692.4(POLE2):c.612C>A (p.Val204=)

Gene: POLE2 (DNA polymerase epsilon 2, accessory subunit; minus strand). Cytogenetic location: 14q21.3.
Variant type: single nucleotide variant.
Coding change: c.612C>A on transcript NM_002692.4 (MANE Select); coding-DNA position 612, C replaced by A.
Protein change: p.Val204=; no amino-acid change (valine 204 retained).
Molecular consequence: synonymous variant.
Genome position (GRCh38, 1-based): chr14:49,665,128, G>T on the plus strand (C>A on the coding strand, the complement: POLE2 is on the minus strand). VCF-style: chr14-49665128-G-T. GRCh37 (hg19) VCF-style: chr14-50131846-G-T.
Other names: p.Val204=; c.534C>A, p.Val178= (NM_001197330.2); c.612C>A, p.Val204= (NM_001197331.3, NM_001348384.2); c.381C>A, p.Val127= (NM_001348385.2); c.612C>A (NM_002692.3).
Identifiers: ClinVar variation 1167249 (VCV001167249.13), dbSNP rs3218791, ClinGen allele CA7173548.